The following is an entry in ClinVar:

NM_002528.7(NTHL1):c.547C>A (p.Gln183Lys)

Gene: NTHL1 (nth like DNA glycosylase 1; minus strand). Cytogenetic location: 16p13.3.
Variant type: single nucleotide variant.
Coding change: c.547C>A on transcript NM_002528.7 (MANE Select); coding-DNA position 547, C replaced by A.
Protein change: p.Gln183Lys; replaces glutamine 183 with lysine.
Molecular consequence: missense variant.
Genome position (GRCh38, 1-based): chr16:2,043,705, G>T on the plus strand (C>A on the coding strand, the complement: NTHL1 is on the minus strand). VCF-style: chr16-2043705-G-T. GRCh37 (hg19) VCF-style: chr16-2093706-G-T.
Other names: c.376C>A, p.Gln126Lys (NM_001318193.2); c.217C>A, p.Gln73Lys (NM_001318194.2); c.571C>A (NM_002528.5); short protein forms Q126K, Q73K, Q183K.
Identifiers: ClinVar variation 944312 (VCV000944312.7), dbSNP rs1385660445, ClinGen allele CA394292380.

ClinVar aggregate classification (germline): Uncertain significance. Review status: criteria provided, multiple submitters, no conflicts (2 of 4 stars). 2 submissions from 2 submitters: Uncertain significance (2). Last evaluated 2024-12-05.

Conditions:
Hereditary cancer-predisposing syndrome. Also called: Neoplastic Syndromes, Hereditary; Hereditary Cancer Syndrome; Tumor predisposition; Hereditary neoplastic syndrome. Identifiers: Orphanet 140162, MedGen C0027672, MeSH D009386, MONDO:0015356.

Allele frequency attached by ClinVar (database versions not stated): gnomAD exomes below 0.00001.
gnomAD v4.1: 1 of 1,612,050 alleles (0.000062%); highest among the groups gnomAD compares: Non-Finnish European, 0.000085%; no homozygotes.

Submissions (2):

Labcorp Genetics (formerly Invitae), Labcorp
Classification: Uncertain significance. Last evaluated: 2024-12-05. Review status: criteria provided, single submitter. Criteria: Invitae Variant Classification Sherloc (09022015). Collection method: clinical testing. Allele origin: germline.
Comment: This sequence change replaces glutamine, which is neutral and polar, with lysine, which is basic and polar, at codon 191 of the NTHL1 protein (p.Gln191Lys). This variant is not present in population databases (gnomAD no frequency). This variant has not been reported in the literature in individuals affected with NTHL1-related conditions. ClinVar contains an entry for this variant (Variation ID: 944312). An algorithm developed to predict the effect of missense changes on protein structure and function (PolyPhen-2) suggests that this variant¬†is likely to be tolerated. In summary, the available evidence is currently insufficient to determine the role of this variant in disease. Therefore, it has been classified as a Variant of Uncertain Significance.

Ambry Genetics
Classification: Uncertain significance for Hereditary cancer-predisposing syndrome. Last evaluated: 2024-02-04. Review status: criteria provided, single submitter. Criteria: Ambry Variant Classification Scheme 2023. Collection method: clinical testing. Allele origin: germline.
Comment: The p.Q191K variant (also known as c.571C>A), located in coding exon 4 of the NTHL1 gene, results from a C to A substitution at nucleotide position 571. The glutamine at codon 191 is replaced by lysine, an amino acid with similar properties. This amino acid position is conserved. In addition, this alteration is predicted to be tolerated by in silico analysis. Based on the available evidence, the clinical significance of this alteration remains unclear.